The following is an entry in ClinVar:

NM_018076.5(ODAD2):c.3011G>A (p.Gly1004Asp)

Gene: ODAD2 (outer dynein arm docking complex subunit 2; minus strand). Cytogenetic location: 10p12.1.
Variant type: single nucleotide variant.
Coding change: c.3011G>A on transcript NM_018076.5 (MANE Select); coding-DNA position 3011, G replaced by A.
Protein change: p.Gly1004Asp; replaces glycine 1004 with aspartic acid.
Molecular consequence: missense variant.
Genome position (GRCh38, 1-based): chr10:27,860,635, C>T on the plus strand (G>A on the coding strand, the complement: ODAD2 is on the minus strand). VCF-style: chr10-27860635-C-T. GRCh37 (hg19) VCF-style: chr10-28149564-C-T.
Other names: c.3011G>A, p.Gly1004Asp (NM_001290020.2); c.1586G>A, p.Gly529Asp (NM_001290021.2); c.2087G>A, p.Gly696Asp (NM_001312689.2); short protein forms G529D, G1004D, G696D.
Identifiers: ClinVar variation 2448393 (VCV002448393.2), dbSNP rs768774922, ClinGen allele CA5453043.

ClinVar aggregate classification (germline): Uncertain significance (1 of 4 stars; one submission).

Conditions:
Primary ciliary dyskinesia. Also called: Ciliary dyskinesia. Identifiers: Orphanet 244, MedGen C0008780, MONDO:0016575, HP:0012265.

Allele frequency attached by ClinVar (database versions not stated): TOPMed below 0.00001; ExAC 0.00002; gnomAD exomes 0.00003.
gnomAD v4.1: 43 of 1,613,908 alleles (0.0027%); highest among the groups gnomAD compares: Non-Finnish European, 0.0035%; no homozygotes.

Submission:

Ambry Genetics
Classification: Uncertain significance for Primary ciliary dyskinesia. Last evaluated: 2023-02-04. Review status: criteria provided, single submitter. Criteria: Ambry Variant Classification Scheme 2023. Collection method: clinical testing. Allele origin: germline.
Comment: The p.G1004D variant (also known as c.3011G>A), located in coding exon 18 of the ARMC4 gene, results from a G to A substitution at nucleotide position 3011. The glycine at codon 1004 is replaced by aspartic acid, an amino acid with similar properties. This amino acid position is conserved. In addition, the in silico prediction for this alteration is inconclusive. Since supporting evidence is limited at this time, the clinical significance of this alteration remains unclear.